The following is an entry in ClinVar:

ClinVar aggregate classification (germline): Benign/Likely benign. Review status: criteria provided, multiple submitters, no conflicts (2 of 4 stars). 2 submissions from 2 submitters: Benign (1); Likely benign (1). Last evaluated 2021-08-26.

Submissions (2):

Mayo Clinic Laboratories, Mayo Clinic
Classification: Benign. Last evaluated: 2021-08-26. Review status: criteria provided, single submitter. Criteria: ACMG Guidelines, 2015. Collection method: clinical testing. Allele origin: germline. Observed: 20 variant alleles.
Comment: BA1, BP7

GeneDx
Classification: Likely benign. Last evaluated: 2019-11-27. Review status: criteria provided, single submitter. Criteria: GeneDx Variant Classification Process June 2021. Collection method: clinical testing. Allele origin: germline. Affected: yes.

NM_024996.7(GFM1):c.1910-8del

Gene: GFM1 (G elongation factor mitochondrial 1; plus strand). Cytogenetic location: 3q25.32.
Variant type: Deletion.
Coding change: c.1910-8del on transcript NM_024996.7 (MANE Select); 8 bases into the intron before coding-DNA position 1910, one base deleted (T; older notation c.1910-8delT).
Molecular consequence: intron variant.
Genome position (GRCh38, 1-based): chr3:158,690,155, T deleted; the last of 14 consecutive T bases (chr3:158,690,142-158,690,155); deleting any one gives the same sequence. VCF-style (leftmost placement, unchanged base first): chr3-158690141-CT-C. GRCh37 (hg19) VCF-style: chr3-158407930-CT-C.
Other names: p.?; c.1967-8del (NM_001308164.2); c.1685-8del (NM_001374357.1); c.1829-8del (NM_001374355.1); c.1793-8del (NM_001374356.1); c.1343-8del (NM_001374359.1, NM_001374360.1); c.1226-8del (NM_001374361.1); c.1451-8del (NM_001374358.1); and 1 more.
Identifiers: ClinVar variation 1208740 (VCV001208740.4), dbSNP rs34920045, ClinGen allele CA2683030.